The following is an entry in ClinVar:

NM_003060.4(SLC22A5):c.845dup (p.Trp283fs)

Gene: SLC22A5 (solute carrier family 22 member 5; plus strand). Cytogenetic location: 5q31.1.
Variant type: Duplication.
Coding change: c.845dup on transcript NM_003060.4 (MANE Select); coding-DNA position 845, one base duplicated (G; older notation c.845dupG).
Protein change: p.Trp283fs; shifts the reading frame from tryptophan 283.
Molecular consequence: frameshift variant.
Genome position (GRCh38, 1-based): chr5:132,387,045, G duplicated. VCF-style (leftmost placement, unchanged base first): chr5-132387044-C-CG. GRCh37 (hg19) VCF-style: chr5-131722736-C-CG.
Other names: c.845dupG (NM_003060.3); c.917dup, p.Trp307fs (NM_001308122.2); short protein forms W283fs, W307fs.
Identifiers: ClinVar variation 659511 (VCV000659511.10), dbSNP rs1580888136, ClinGen allele CA915943454.

ClinVar aggregate classification (germline): Pathogenic/Likely pathogenic. Review status: criteria provided, multiple submitters, no conflicts (2 of 4 stars). 3 submissions from 3 submitters: Pathogenic (2); Likely pathogenic (1). Last evaluated 2025-08-25.

Conditions:
Renal carnitine transport defect (CDSP). Also called: Carnitine Deficiency, Systemic; Primary carnitine deficiency; CARNITINE DEFICIENCY, SYSTEMIC, DUE TO DEFECT IN RENAL REABSORPTION OF CARNITINE; CARNITINE TRANSPORTER, PLASMA-MEMBRANE, DEFICIENCY OF; CARNITINE UPTAKE DEFECT; Systemic primary carnitine deficiency disease. Identifiers: Orphanet 158, MedGen C0342788, MONDO:0008919, OMIM 212140.

Allele frequency attached by ClinVar (database versions not stated): gnomAD exomes below 0.00001; gnomAD 0.00001.

Submissions (3):

Myriad Genetics, Inc.
Classification: Pathogenic for Renal carnitine transport defect. Last evaluated: 2025-08-25. Review status: criteria provided, single submitter. Criteria: Myriad Autosomal Dominant, Autosomal Recessive and X-Linked Classification Criteria (2023). Collection method: clinical testing. Allele origin: unknown.
Comment: NM_003060.3(SLC22A5):c.845dupG(W283Mfs*9) is a frameshift variant classified as pathogenic in the context of primary carnitine deficiency. W283Mfs*9 has not been observed in cases with relevant disease. Relevant functional assessments of this variant are not available in the literature. W283Mfs*9 has not been observed in referenced population frequency databases. In summary, NM_003060.3(SLC22A5):c.845dupG(W283Mfs*9) is a frameshift variant in a gene where loss of function is a known mechanism of disease and is predicted to disrupt protein function. Please note: this variant was assessed in the context of healthy population screening.

Fulgent Genetics
Classification: Likely pathogenic for Renal carnitine transport defect. Last evaluated: 2024-04-19. Review status: criteria provided, single submitter. Criteria: ACMG Guidelines, 2015. Collection method: clinical testing. Allele origin: germline.

Labcorp Genetics (formerly Invitae), Labcorp
Classification: Pathogenic for Renal carnitine transport defect. Last evaluated: 2024-01-24. Review status: criteria provided, single submitter. Criteria: Invitae Variant Classification Sherloc (09022015). Collection method: clinical testing. Allele origin: germline.
Comment: This sequence change creates a premature translational stop signal (p.Trp283Metfs*9) in the SLC22A5 gene. It is expected to result in an absent or disrupted protein product. Loss-of-function variants in SLC22A5 are known to be pathogenic (PMID: 9916797). This variant is not present in population databases (gnomAD no frequency). This variant has not been reported in the literature in individuals affected with SLC22A5-related conditions. ClinVar contains an entry for this variant (Variation ID: 659511). For these reasons, this variant has been classified as Pathogenic.

Literature cited by the submitters: PubMed 9916797 (cited by Labcorp Genetics (formerly Invitae), Labcorp).